The following is an entry in ClinVar:

NM_000540.3(RYR1):c.8547T>G (p.Tyr2849Ter)

Genes: RYR1 (ryanodine receptor 1; plus strand), LOC126862902 (BRD4-independent group 4 enhancer GRCh37_chr19:38995830-38997029; plus strand). Cytogenetic location: 19q13.2.
Variant type: single nucleotide variant.
Coding change: c.8547T>G on transcript NM_000540.3 (MANE Select); coding-DNA position 8547, T replaced by G.
Protein change: p.Tyr2849Ter; replaces tyrosine 2849 with a stop codon.
Molecular consequence: nonsense.
Genome position (GRCh38, 1-based): chr19:38,506,308, T>G. VCF-style: chr19-38506308-T-G. GRCh37 (hg19) VCF-style: chr19-38996948-T-G.
Other names: c.8547T>G, p.Tyr2849Ter (NM_001042723.2); short protein forms Y2849*.
Identifiers: ClinVar variation 4278968 (VCV004278968.1).
Genomic context (GRCh38, chr19:38,506,308, plus strand): 5'-CTGGGCTTCCTGCTAGCCCATCAGCCCACCTCCCATCTTCCCCTTGTCCTCTCAGACCTA[T>G]GATCCTCGAGAAGGCTACAACCCTCAGCCCCCCGACCTTAGTGCTGTTACCCTGTCCCGG-3'

ClinVar aggregate classification (germline): Likely pathogenic (1 of 4 stars; one submission).

Conditions:
Congenital multicore myopathy with external ophthalmoplegia (CMYO1B). Also called: Minicore myopathy with external ophthalmoplegia; MULTIMINICORE DISEASE WITH EXTERNAL OPHTHALMOPLEGIA; Congenital myopathy 1B, autosomal recessive; Minicore myopathy; MULTICORE MYOPATHY. Identifiers: Orphanet 598, Orphanet 98905, MedGen C1850674, MONDO:0009712, OMIM 255320, HP:0003789.

Submission:

Kasturba Medical College, Manipal, Kasturba Medical College, Manipal, Manipal Academy of Higher Education, Manipal, India
Classification: Likely pathogenic for Congenital multicore myopathy with external ophthalmoplegia. Review status: criteria provided, single submitter. Criteria: ACMG Guidelines, 2015. Collection method: research. Allele origin: maternal. Inheritance: Autosomal recessive inheritance. Affected: yes.
Comment: This variant is absent gnomAD (v4.1.0) population database and our in-house data of 3801 exomes. This variant likely introduces a premature termination codon which may either cause the transcript to undergo nonsense-mediated mRNA decay or lead to the formation of a truncated protein product.